The following is an entry in ClinVar:

NM_004369.4(COL6A3):c.3501C>G (p.Ile1167Met)

Gene: COL6A3 (collagen type VI alpha 3 chain; minus strand). Cytogenetic location: 2q37.3.
Variant type: single nucleotide variant.
Coding change: c.3501C>G on transcript NM_004369.4 (MANE Select); coding-DNA position 3501, C replaced by G.
Protein change: p.Ile1167Met; replaces isoleucine 1167 with methionine.
Molecular consequence: missense variant.
Genome position (GRCh38, 1-based): chr2:237,374,590, G>C on the plus strand (C>G on the coding strand, the complement: COL6A3 is on the minus strand). VCF-style: chr2-237374590-G-C. GRCh37 (hg19) VCF-style: chr2-238283233-G-C.
Other names: c.2280C>G, p.Ile760Met (NM_057164.5); c.2883C>G, p.Ile961Met (NM_057165.5, NM_057167.4); c.1680C>G, p.Ile560Met (NM_057166.5); short protein forms I961M, I1167M, I560M, I760M.
Identifiers: ClinVar variation 2832453 (VCV002832453.3), dbSNP rs199998363, ClinGen allele CA351202452.

ClinVar aggregate classification (germline): Uncertain significance (1 of 4 stars; one submission).

Conditions:
Bethlem myopathy 1A. Also called: Bethlem myopathy 1; MYOPATHY, BENIGN CONGENITAL, WITH CONTRACTURES; Bethlem Muscular Dystrophy. Identifiers: Orphanet 610, MedGen CN029274, MONDO:0024530, OMIM 158810.

gnomAD v4.1: 1 of 1,614,208 alleles (0.000062%); no homozygotes.

Submission:

Labcorp Genetics (formerly Invitae), Labcorp
Classification: Uncertain significance for Bethlem myopathy 1A. Last evaluated: 2024-01-31. Review status: criteria provided, single submitter. Criteria: Invitae Variant Classification Sherloc (09022015). Collection method: clinical testing. Allele origin: germline.
Comment: This sequence change replaces isoleucine, which is neutral and non-polar, with methionine, which is neutral and non-polar, at codon 1167 of the COL6A3 protein (p.Ile1167Met). This variant is not present in population databases (gnomAD no frequency). This variant has not been reported in the literature in individuals affected with COL6A3-related conditions. Advanced modeling of protein sequence and biophysical properties (such as structural, functional, and spatial information, amino acid conservation, physicochemical variation, residue mobility, and thermodynamic stability) performed at Invitae indicates that this missense variant is not expected to disrupt COL6A3 protein function with a negative predictive value of 80%. In summary, the available evidence is currently insufficient to determine the role of this variant in disease. Therefore, it has been classified as a Variant of Uncertain Significance.